The following is an entry in ClinVar:

ClinVar aggregate classification (germline): Pathogenic (1 of 4 stars; one submission).

Conditions:
Cardiovascular phenotype. Identifiers: MedGen CN230736.
Hereditary cancer-predisposing syndrome. Also called: Neoplastic Syndromes, Hereditary; Tumor predisposition; Hereditary neoplastic syndrome; Hereditary Cancer Syndrome. Identifiers: Orphanet 140162, MedGen C0027672, MeSH D009386, MONDO:0015356.

Submission:

Ambry Genetics
Classification: Pathogenic for Cardiovascular phenotype; Hereditary cancer-predisposing syndrome. Last evaluated: 2025-06-11. Review status: criteria provided, single submitter. Criteria: Ambry Variant Classification Scheme 2023. Collection method: clinical testing. Allele origin: germline.
Comment: The p.C1690* pathogenic mutation (also known as c.5070T>A), located in coding exon 36 of the NF1 gene, results from a T to A substitution at nucleotide position 5070. This changes the amino acid from a cysteine to a stop codon within coding exon 36. This variant is considered to be rare based on population cohorts in the Genome Aggregation Database (gnomAD). This alteration is expected to result in loss of function by premature protein truncation or nonsense-mediated mRNA decay. As such, this alteration is interpreted as a disease-causing mutation.

NM_001042492.3(NF1):c.5133T>A (p.Cys1711Ter)

Gene: NF1 (neurofibromin 1; plus strand). Cytogenetic location: 17q11.2.
Variant type: single nucleotide variant.
Coding change: c.5133T>A on transcript NM_001042492.3 (MANE Select); coding-DNA position 5133, T replaced by A.
Protein change: p.Cys1711Ter; replaces cysteine 1711 with a stop codon.
Molecular consequence: nonsense.
Genome position (GRCh38, 1-based): chr17:31,326,117, T>A. VCF-style: chr17-31326117-T-A. GRCh37 (hg19) VCF-style: chr17-29653135-T-A.
Other names: c.5070T>A, p.Cys1690Ter (NM_000267.4); short protein forms C1690*, C1711*.
Identifiers: ClinVar variation 4034877 (VCV004034877.1).